The following is an entry in ClinVar:

ClinVar aggregate classification (germline): Likely pathogenic (1 of 4 stars; one submission).

Conditions:
Inborn genetic diseases. Identifiers: MedGen C0950123, MeSH D030342.

Submission:

Ambry Genetics
Classification: Likely pathogenic for Inborn genetic diseases. Last evaluated: 2020-06-29. Review status: criteria provided, single submitter. Criteria: Ambry Variant Classification Scheme 2023. Collection method: clinical testing. Allele origin: germline.
Comment: The c.1389-1G>C intronic variant results from a G to C substitution one nucleotide upstream from coding exon 13 of the FIG4 gene. This nucleotide position is highly conserved in available vertebrate species. Using the BDGP and ESEfinder splice site prediction tools, this alteration is predicted to abolish the native splice acceptor site; however, direct evidence is unavailable. Alterations that disrupt the canonical splice site are expected to cause aberrant splicing, resulting in an abnormal protein or a transcript that is subject to nonsense-mediated mRNA decay. As such, this alteration is classified as likely pathogenic.

NM_014845.6(FIG4):c.1389-1G>C

Gene: FIG4 (FIG4 phosphoinositide 5-phosphatase; plus strand). Cytogenetic location: 6q21.
Variant type: single nucleotide variant.
Coding change: c.1389-1G>C on transcript NM_014845.6 (MANE Select); the canonical splice acceptor site of the intron before coding-DNA position 1389, G replaced by C.
Molecular consequence: splice acceptor variant.
Genome position (GRCh38, 1-based): chr6:109,763,936, G>C. VCF-style: chr6-109763936-G-C. GRCh37 (hg19) VCF-style: chr6-110085139-G-C.
Identifiers: ClinVar variation 1771466 (VCV001771466.2), dbSNP rs2486178697, ClinGen allele CA365226621.